The following is an entry in ClinVar:

ClinVar aggregate classification (germline): Uncertain significance (1 of 4 stars; one submission).

Submission:

Women's Health and Genetics/Laboratory Corporation of America, LabCorp
Classification: Uncertain significance. Last evaluated: 2025-07-14. Review status: criteria provided, single submitter. Criteria: LabCorp Variant Classification Summary - May 2015. Collection method: clinical testing. Allele origin: germline.
Comment: Variant summary: CIC c.788C>T (p.Ala263Val) results in a non-conservative amino acid change in the encoded protein sequence. Algorithms developed to predict the effect of missense changes on protein structure and function are either unavailable or do not agree on the potential impact of this missense change. This variant is also annotated as CIC NM_015125 c.-12134C>T and located in the untranslated mRNA region upstream of the initiation codon of this alternative transcript. The variant was absent in 398444 control chromosomes (gnomAD v4.1). The available data on variant occurrences in the general population are insufficient to allow any conclusion about variant significance. To our knowledge, no occurrence of c.788C>T in individuals affected with Mental Retardation, Autosomal Dominant 45 and no experimental evidence demonstrating its impact on protein function have been reported. No submitters have cited clinical-significance assessments for this variant to ClinVar. Based on the evidence outlined above, the variant was classified as uncertain significance.

NM_001386298.1(CIC):c.788C>T (p.Ala263Val)

Gene: CIC (capicua transcriptional repressor; plus strand). Cytogenetic location: 19q13.2.
Variant type: single nucleotide variant.
Coding change: c.788C>T on transcript NM_001386298.1 (MANE Select); coding-DNA position 788, C replaced by T.
Protein change: p.Ala263Val; replaces alanine 263 with valine.
Molecular consequence: missense variant. On other transcripts: genic upstream transcript variant (1).
Genome position (GRCh38, 1-based): chr19:42,272,571, C>T. VCF-style: chr19-42272571-C-T. GRCh37 (hg19) VCF-style: chr19-42776723-C-T.
Other names: c.-12134C>T (NM_015125.5); c.788C>T, p.Ala263Val (NM_001304815.2, NM_001379480.1, NM_001379482.1 and 6 more transcripts); short protein forms A263V.
Identifiers: ClinVar variation 4525938 (VCV004525938.1).